The following is an entry in ClinVar:

ClinVar aggregate classification (germline): Benign/Likely benign. Review status: criteria provided, multiple submitters, no conflicts (2 of 4 stars). 4 submissions from 3 submitters: Benign (3); Likely benign (1). Last evaluated 2025-02-03.

Conditions:
Congenital afibrinogenemia. Identifiers: Orphanet 335, Orphanet 98880, MedGen C2584774, MONDO:0008737, OMIM 202400.
Familial visceral amyloidosis, Ostertag type (AMYLD2). Also called: AMYLOIDOSIS, HEREDITARY SYSTEMIC 2; Hereditary Renal Amyloidosis; Familial visceral amyloidosis; Amyloidosis, hepatic and systemic; AMYLOIDOSIS VIII; Ostertag type amyloidosis. Identifiers: Orphanet 85450, MedGen C0268389, MONDO:0007099, OMIM 105200.

Allele frequency attached by ClinVar (database versions not stated): 1000 Genomes Project 30x 0.64756; ESP Exome Variant Server 0.64805; gnomAD 0.65406 and 0.64807; 1000 Genomes Project 0.64297; TOPMed 0.65970.

Submissions (4):

GeneDx
Classification: Likely benign. Last evaluated: 2025-02-03. Review status: criteria provided, single submitter. Criteria: GeneDx Variant Classification Process June 2021. Collection method: clinical testing. Allele origin: germline. Affected: yes.
Comment: See Variant Classification Assertion Criteria.

Illumina Laboratory Services, Illumina
Classification: Benign for Congenital afibrinogenemia. Last evaluated: 2018-03-06. Review status: criteria provided, single submitter. Criteria: ICSL Variant Classification Criteria 13 December 2019. Collection method: clinical testing. Allele origin: germline.
Comment: This variant was observed in the ICSL laboratory as part of a predisposition screen in an ostensibly healthy population. It had not been previously curated by ICSL or reported in the Human Gene Mutation Database (HGMD: prior to June 1st, 2018), and was therefore a candidate for classification through an automated scoring system. Utilizing variant allele frequency, disease prevalence and penetrance estimates, and inheritance mode, an automated score was calculated to assess if this variant is too frequent to cause the disease. Based on the score and internal cut-off values, a variant classified as benign is not then subjected to further curation. The score for this variant resulted in a classification of benign for this disease.

Illumina Laboratory Services, Illumina
Classification: Benign for Familial visceral amyloidosis, Ostertag type. Last evaluated: 2018-03-06. Review status: criteria provided, single submitter. Criteria: ICSL Variant Classification Criteria 13 December 2019. Collection method: clinical testing. Allele origin: germline.
Comment: the same text as in the submission from Illumina Laboratory Services, Illumina above.

Breakthrough Genomics
Classification: Benign. Review status: criteria provided, single submitter. Criteria: ACMG Guidelines, 2015. Collection method: not provided. Allele origin: germline. Inheritance: Autosomal recessive inheritance. Affected: yes.

NM_021871.2(FGA):c.-58A>G

Gene: FGA (fibrinogen alpha chain; minus strand). Cytogenetic location: 4q31.3.
Variant type: single nucleotide variant.
Coding change: c.-58A>G on transcript NM_021871.2; 58 bases upstream of the start codon, A replaced by G.
Genome position (GRCh38, 1-based): chr4:154,590,745, T>C on the plus strand (A>G on the coding strand, the complement: FGA is on the minus strand). VCF-style: chr4-154590745-T-C. GRCh37 (hg19) VCF-style: chr4-155511897-T-C.
Other names: c.-58A>G (NM_000508.3).
Identifiers: ClinVar variation 347824 (VCV000347824.10), dbSNP rs2070011, ClinGen allele CA10620266.